The following is an entry in ClinVar:

ClinVar aggregate classification (germline): Uncertain significance (1 of 4 stars; one submission).

Conditions:
Hereditary cancer-predisposing syndrome. Also called: Hereditary Cancer Syndrome; Tumor predisposition; Hereditary neoplastic syndrome; Neoplastic Syndromes, Hereditary. Identifiers: Orphanet 140162, MedGen C0027672, MeSH D009386, MONDO:0015356.

Submission:

Ambry Genetics
Classification: Uncertain significance for Hereditary cancer-predisposing syndrome. Last evaluated: 2024-05-02. Review status: criteria provided, single submitter. Criteria: Ambry Variant Classification Scheme 2023. Collection method: clinical testing. Allele origin: germline.
Comment: The c.509_513delCAGAA variant, located in coding exon 2 of the CDKN1B gene, results from a deletion of 5 nucleotides at nucleotide positions 509 to 513, causing a translational frameshift with a predicted alternate stop codon (p.T170Rfs*33). This alteration occurs at the 3' terminus of theCDKN1B gene, is not expected to trigger nonsense-mediated mRNAdecay, and only impacts the last 14.6% of the protein. The exact functional effect of this alteration is unknown. Based on the available evidence, the clinical significance of this variant remains unclear.

NM_004064.5(CDKN1B):c.509_513del (p.Thr170fs)

Gene: CDKN1B (cyclin dependent kinase inhibitor 1B; plus strand). Cytogenetic location: 12p13.1.
Variant type: Microsatellite.
Coding change: c.509_513del on transcript NM_004064.5 (MANE Select); coding-DNA positions 509 to 513, 5 bases deleted (CAGAA; older notation c.509_513delCAGAA).
Protein change: p.Thr170fs; shifts the reading frame from threonine 170.
Molecular consequence: frameshift variant.
Genome position (GRCh38, 1-based): chr12:12,718,858-12,718,862, CAGAA deleted; deleting any 5 consecutive bases within chr12:12,718,851-12,718,862 gives the same sequence; the c. name uses the placement nearest the transcript's 3' end. VCF-style (leftmost placement, unchanged base first): chr12-12718850-CAACAG-C. GRCh37 (hg19) VCF-style: chr12-12871784-CAACAG-C.
Other names: short protein forms T170fs.
Identifiers: ClinVar variation 3265551 (VCV003265551.1).